The following is an entry in ClinVar:

ClinVar aggregate classification (germline): Uncertain significance. Review status: criteria provided, multiple submitters, no conflicts (2 of 4 stars). 2 submissions from 2 submitters: Uncertain significance (2). Last evaluated 2026-08-29.

Conditions:
Hereditary cancer-predisposing syndrome. Also called: Hereditary neoplastic syndrome; Neoplastic Syndromes, Hereditary; Tumor predisposition; Hereditary Cancer Syndrome. Identifiers: Orphanet 140162, MedGen C0027672, MeSH D009386, MONDO:0015356.
Renal cell carcinoma. Identifiers: Orphanet 217071, MedGen C0007134, MeSH D002292, MONDO:0005086, HP:0005584.

Submissions (2):

Ambry Genetics
Classification: Uncertain significance for Hereditary cancer-predisposing syndrome. Last evaluated: 2026-08-29. Review status: criteria provided, single submitter. Criteria: Ambry Variant Classification Scheme 2023. Collection method: clinical testing. Allele origin: germline.
Comment: The p.N1016D variant (also known as c.3046A>G), located in coding exon 13 of the MET gene, results from an A to G substitution at nucleotide position 3046. The asparagine at codon 1016 is replaced by aspartic acid, an amino acid with highly similar properties. This amino acid position is conserved. In addition, this alteration is predicted to be tolerated by in silico analysis. Based on the available evidence, the clinical significance of this variant remains unclear.

Labcorp Genetics (formerly Invitae), Labcorp
Classification: Uncertain significance for Renal cell carcinoma. Last evaluated: 2024-01-18. Review status: criteria provided, single submitter. Criteria: Invitae Variant Classification Sherloc (09022015). Collection method: clinical testing. Allele origin: germline.
Comment: This sequence change replaces asparagine, which is neutral and polar, with aspartic acid, which is acidic and polar, at codon 1016 of the MET protein (p.Asn1016Asp). This variant is not present in population databases (gnomAD no frequency). This variant has not been reported in the literature in individuals affected with MET-related conditions. ClinVar contains an entry for this variant (Variation ID: 1984486). Advanced modeling of protein sequence and biophysical properties (such as structural, functional, and spatial information, amino acid conservation, physicochemical variation, residue mobility, and thermodynamic stability) performed at Invitae indicates that this missense variant is not expected to disrupt MET protein function with a negative predictive value of 80%. In summary, the available evidence is currently insufficient to determine the role of this variant in disease. Therefore, it has been classified as a Variant of Uncertain Significance.

NM_000245.4(MET):c.2992A>G (p.Asn998Asp)

Gene: MET (MET proto-oncogene, receptor tyrosine kinase; plus strand). Cytogenetic location: 7q31.2.
Variant type: single nucleotide variant.
Coding change: c.2992A>G on transcript NM_000245.4 (MANE Select); coding-DNA position 2992, A replaced by G.
Protein change: p.Asn998Asp; replaces asparagine 998 with aspartic acid.
Molecular consequence: missense variant.
Genome position (GRCh38, 1-based): chr7:116,771,953, A>G. VCF-style: chr7-116771953-A-G. GRCh37 (hg19) VCF-style: chr7-116412007-A-G.
Other names: c.3046A>G, p.Asn1016Asp (NM_001127500.3); c.1702A>G, p.Asn568Asp (NM_001324402.2); short protein forms N1016D, N568D, N998D.
Identifiers: ClinVar variation 1984486 (VCV001984486.5), dbSNP rs2116997233, ClinGen allele CA368987347.